The following is an entry in ClinVar:

NM_001242809.2(ANKRD6):c.1486-5_1486-4dup

Gene: ANKRD6 (ankyrin repeat domain 6; plus strand). Cytogenetic location: 6q15.
Variant type: Duplication.
Coding change: c.1486-5_1486-4dup on transcript NM_001242809.2 (MANE Select); 5 bases into the intron before coding-DNA position 1486 through 4 bases into the intron before coding-DNA position 1486, 2 bases duplicated (TT; older notation c.1486-5_1486-4dupTT).
Molecular consequence: intron variant.
Genome position (GRCh38, 1-based): chr6:89,629,107-89,629,108, TT duplicated; duplicating any 2 consecutive bases within chr6:89,629,098-89,629,108 gives the same sequence; the c. name uses the placement nearest the transcript's 3' end. VCF-style (leftmost placement, unchanged base first): chr6-89629097-G-GTT. GRCh37 (hg19) VCF-style: chr6-90338816-G-GTT.
Other names: c.1486-5_1486-4dup (NM_014942.4, NM_001242811.1); c.1381-5_1381-4dup (NM_001242813.1); c.1309-5_1309-4dup (NM_001242814.1).
Identifiers: ClinVar variation 3041419 (VCV003041419.2), dbSNP rs200010448, ClinGen allele CA3921553.

ClinVar aggregate classification (germline): Likely benign (0 of 4 stars; one submission).

Conditions:
ANKRD6-related disorder. Also called: ANKRD6-related condition.

Submission:

PreventionGenetics, part of Exact Sciences
Classification: Likely benign for ANKRD6-related condition. Last evaluated: 2019-05-07. Review status: no assertion criteria provided. Collection method: clinical testing. Allele origin: germline.
Comment: This variant is classified as likely benign based on ACMG/AMP sequence variant interpretation guidelines (Richards et al. 2015 PMID: 25741868, with internal and published modifications).